The following is an entry in ClinVar:

ClinVar aggregate classification (germline): Uncertain significance (1 of 4 stars; one submission).

Conditions:
Malignant hyperthermia, susceptibility to, 1 (MHS1). Also called: RYR1-Related Malignant Hyperthermia Susceptibility; Anesthesia related hyperthermia; Malignant hyperpyrexia; Fulminating hyperpyrexia; Pharmacogenic myopathy; Malignant hyperthermia suceptibility 1. Identifiers: Orphanet 423, MedGen C2930980, MONDO:0007783, OMIM 145600.

Allele frequency attached by ClinVar (database versions not stated): gnomAD exomes below 0.00001.

Submission:

All of Us Research Program, National Institutes of Health
Classification: Uncertain significance for Malignant hyperthermia, susceptibility to, 1. Last evaluated: 2023-02-24. Review status: criteria provided, single submitter. Criteria: ACMG Guidelines, 2015. Collection method: clinical testing. Allele origin: germline. Inheritance: Autosomal dominant inheritance. Observed: 1 variant allele, 1 heterozygote.
Comment: This missense variant replaces proline with threonine at codon 1327 of the RYR1 protein. Computational prediction suggests that this variant may not impact protein structure and function (internally defined REVEL score threshold <= 0.5, PMID: 27666373). To our knowledge, functional studies have not been reported for this variant. This variant has not been reported in individuals affected with RYR1-related disorders in the literature. This variant has not been identified in the general population by the Genome Aggregation Database (gnomAD). The available evidence is insufficient to determine the role of this variant in disease conclusively. Therefore, this variant is classified as a Variant of Uncertain Significance.

This study involves interpretation of variants in research participants for the purpose of population health screening. Participant phenotype was not available at the time of variant classification. Additional details can be found in publication PMID: 35346344, PMCID: PMC8962531

NM_000540.3(RYR1):c.3979C>A (p.Pro1327Thr)

Gene: RYR1 (ryanodine receptor 1; plus strand). Cytogenetic location: 19q13.2.
Variant type: single nucleotide variant.
Coding change: c.3979C>A on transcript NM_000540.3 (MANE Select); coding-DNA position 3979, C replaced by A.
Protein change: p.Pro1327Thr; replaces proline 1327 with threonine.
Molecular consequence: missense variant.
Genome position (GRCh38, 1-based): chr19:38,473,590, C>A. VCF-style: chr19-38473590-C-A. GRCh37 (hg19) VCF-style: chr19-38964230-C-A.
Other names: c.3979C>A, p.Pro1327Thr (NM_001042723.2); short protein forms P1327T.
Identifiers: ClinVar variation 3069488 (VCV003069488.1), dbSNP rs1458019010, ClinGen allele CA405642414.